The following is an entry in ClinVar:

NM_024675.4(PALB2):c.613G>T (p.Glu205Ter)

Gene: PALB2 (partner and localizer of BRCA2; minus strand). Cytogenetic location: 16p12.2.
Variant type: single nucleotide variant.
Coding change: c.613G>T on transcript NM_024675.4 (MANE Select); coding-DNA position 613, G replaced by T.
Protein change: p.Glu205Ter; replaces glutamic acid 205 with a stop codon.
Molecular consequence: nonsense.
Genome position (GRCh38, 1-based): chr16:23,635,933, C>A on the plus strand (G>T on the coding strand, the complement: PALB2 is on the minus strand). VCF-style: chr16-23635933-C-A. GRCh37 (hg19) VCF-style: chr16-23647254-C-A.
Other names: short protein forms E205*.
Identifiers: ClinVar variation 619711 (VCV000619711.3), dbSNP rs1567222636, ClinGen allele CA395136640.
Genomic context (GRCh38, chr16:23,635,933, plus strand): 5'-GTGGAATTAATACACTGTCTTCATTAATTTCTGTAACTGGTTCTGGAGAATCTGGAAGTT[C>A]AGATTTAAGACTTAAAAGGTGAGTTCTTATTTCAGTTACTGGTGATCTAGCAGGATTTTT-3'

ClinVar aggregate classification (germline): Likely pathogenic. Review status: criteria provided, multiple submitters, no conflicts (2 of 4 stars). 2 submissions from 2 submitters: Likely pathogenic (2). Last evaluated 2023-03-13.

Submissions (2):

GeneDx
Classification: Likely pathogenic. Last evaluated: 2023-03-13. Review status: criteria provided, single submitter. Criteria: GeneDx Variant Classification Process June 2021. Collection method: clinical testing. Allele origin: germline. Affected: yes.
Comment: Nonsense variant predicted to result in protein truncation or nonsense mediated decay in a gene for which loss of function is a known mechanism of disease; Not observed at significant frequency in large population cohorts (gnomAD); Has not been previously published as pathogenic or benign to our knowledge

Quest Diagnostics Nichols Institute San Juan Capistrano
Classification: Likely pathogenic. Last evaluated: 2017-09-26. Review status: criteria provided, single submitter. Criteria: Quest Diagnostics criteria. Collection method: clinical testing. Allele origin: germline.